The following is an entry in ClinVar:

NM_022437.3(ABCG8):c.1965G>C (p.Met655Ile)

Gene: ABCG8 (ATP binding cassette subfamily G member 8; plus strand). Cytogenetic location: 2p21.
Variant type: single nucleotide variant.
Coding change: c.1965G>C on transcript NM_022437.3 (MANE Select); coding-DNA position 1965, G replaced by C.
Protein change: p.Met655Ile; replaces methionine 655 with isoleucine.
Molecular consequence: missense variant.
Genome position (GRCh38, 1-based): chr2:43,877,856, G>C. VCF-style: chr2-43877856-G-C. GRCh37 (hg19) VCF-style: chr2-44104995-G-C.
Other names: c.1965G>C (NM_022437.2); c.1962G>C, p.Met654Ile (NM_001357321.2); short protein forms M654I, M655I.
Identifiers: ClinVar variation 3025488 (VCV003025488.24), dbSNP rs1451433637, ClinGen allele CA346671455.

ClinVar aggregate classification (germline): Uncertain significance. Review status: criteria provided, multiple submitters, no conflicts (2 of 4 stars). 3 submissions from 3 submitters: Uncertain significance (3). Last evaluated 2025-07-12.

Conditions:
Sitosterolemia 1. Identifiers: MedGen C2749759, MONDO:0020747, OMIM 210250.
Cardiovascular phenotype. Identifiers: MedGen CN230736.

Allele frequency attached by ClinVar (database versions not stated): gnomAD exomes 0.00001.
gnomAD v4.1: 9 of 1,614,084 alleles (0.00056%); highest among the groups gnomAD compares: Non-Finnish European, 0.00076%; no homozygotes.

Submissions (3):

Ambry Genetics
Classification: Uncertain significance for Cardiovascular phenotype. Last evaluated: 2025-07-12. Review status: criteria provided, single submitter. Criteria: Ambry Variant Classification Scheme 2023. Collection method: clinical testing. Allele origin: germline.
Comment: The p.M655I variant (also known as c.1965G>C), located in coding exon 13 of the ABCG8 gene, results from a G to C substitution at nucleotide position 1965. The methionine at codon 655 is replaced by isoleucine, an amino acid with highly similar properties. This amino acid position is conserved. In addition, this alteration is predicted to be tolerated by in silico analysis. Based on the available evidence, the clinical significance of this variant remains unclear.

CeGaT Center for Human Genetics Tuebingen
Classification: Uncertain significance. Last evaluated: 2024-02-01. Review status: criteria provided, single submitter. Criteria: CeGaT Center For Human Genetics Tuebingen Variant Classification Criteria Version 2. Collection method: clinical testing. Allele origin: germline. Affected: yes. Observed: 1 variant allele.
Comment: ABCG8: PM2, BP4

Revvity Omics, Revvity
Classification: Uncertain significance for Sitosterolemia 1. Last evaluated: 2023-11-08. Review status: criteria provided, single submitter. Criteria: ACMG Guidelines, 2015. Collection method: clinical testing. Allele origin: germline.